The following is an entry in ClinVar:

NM_001687.5(ATP5F1D):c.447G>A (p.Thr149=)

Genes: ATP5F1D (ATP synthase F1 subunit delta; plus strand), LOC130062904 (ATAC-STARR-seq lymphoblastoid silent region 9674; plus strand). Cytogenetic location: 19p13.3.
Variant type: single nucleotide variant.
Coding change: c.447G>A on transcript NM_001687.5 (MANE Select); coding-DNA position 447, G replaced by A.
Protein change: p.Thr149=; no amino-acid change (threonine 149 retained).
Molecular consequence: synonymous variant.
Genome position (GRCh38, 1-based): chr19:1,244,377, G>A. VCF-style: chr19-1244377-G-A. GRCh37 (hg19) VCF-style: chr19-1244376-G-A.
Other names: c.447G>A (NM_001001975.1); c.447G>A, p.Thr149= (NM_001001975.2).
Identifiers: ClinVar variation 3016746 (VCV003016746.5), dbSNP rs376321377, ClinGen allele CA9040339.

ClinVar aggregate classification (germline): Likely benign. Review status: criteria provided, single submitter (1 of 4 stars). 2 submissions from 2 submitters: Likely benign (1). 1 of the submissions does not count toward it. Last evaluated 2025-12-15.

Conditions:
ATP5F1D-related disorder. Also called: ATP5F1D-related condition.

Allele frequency attached by ClinVar (database versions not stated): ExAC 0.00015; 1000 Genomes Project 0.00060; gnomAD 0.00007; TOPMed 0.00016; 1000 Genomes Project 30x 0.00062; gnomAD exomes 0.00002; ESP Exome Variant Server 0.00023.

Submissions (2):

Labcorp Genetics (formerly Invitae), Labcorp
Classification: Likely benign. Last evaluated: 2025-12-15. Review status: criteria provided, single submitter. Criteria: Invitae Variant Classification Sherloc (09022015). Collection method: clinical testing. Allele origin: germline.

PreventionGenetics, part of Exact Sciences
Classification: Likely benign for ATP5F1D-related condition. Last evaluated: 2023-06-21. Review status: no assertion criteria provided. Collection method: clinical testing. Allele origin: germline. Not counted in ClinVar's aggregate classification.
Comment: This variant is classified as likely benign based on ACMG/AMP sequence variant interpretation guidelines (Richards et al. 2015 PMID: 25741868, with internal and published modifications).